The following is an entry in ClinVar:

NM_144573.4(NEXN):c.326T>G (p.Met109Arg)

Genes: NEXN (nexilin F-actin binding protein; plus strand), LOC126805765 (BRD4-independent group 4 enhancer GRCh37_chr1:78383688-78384887; plus strand). Cytogenetic location: 1p31.1.
Variant type: single nucleotide variant.
Coding change: c.326T>G on transcript NM_144573.4 (MANE Select); coding-DNA position 326, T replaced by G.
Protein change: p.Met109Arg; replaces methionine 109 with arginine.
Molecular consequence: missense variant.
Genome position (GRCh38, 1-based): chr1:77,918,152, T>G. VCF-style: chr1-77918152-T-G. GRCh37 (hg19) VCF-style: chr1-78383837-T-G.
Other names: c.134T>G, p.Met45Arg (NM_001172309.2); short protein forms M45R, M109R.
Identifiers: ClinVar variation 4783424 (VCV004783424.1).
Genomic context (GRCh38, chr1:77,918,152, plus strand): 5'-CAAGTATCAAACTTTTTTTTCATATATTTTTAGGAACTGTGAAGGGTAGATTTGCTGAAA[T>G]GGAGAAACAAAGACAAGAGGAACAAAGGAAGAGAACGGAGGAGGAACGAAAACGCAGAAT-3'
Protein context (NP_653174.3, residues 99-119): TGTVKGRFAE[Met109Arg]EKQRQEEQRK

ClinVar aggregate classification (germline): Uncertain significance (1 of 4 stars; one submission).

Conditions:
Dilated cardiomyopathy 1CC (CMD1CC). Identifiers: Orphanet 154, MedGen C2751084, MONDO:0013147, OMIM 613122.
Hypertrophic cardiomyopathy 20. Identifiers: MedGen C3151267, MONDO:0013477, OMIM 613876.

Submission:

Labcorp Genetics (formerly Invitae), Labcorp
Classification: Uncertain significance for Dilated cardiomyopathy 1CC; Hypertrophic cardiomyopathy 20. Last evaluated: 2025-12-29. Review status: criteria provided, single submitter. Criteria: Invitae Variant Classification Sherloc (09022015). Collection method: clinical testing. Allele origin: germline.
Comment: This sequence change replaces methionine, which is neutral and non-polar, with arginine, which is basic and polar, at codon 109 of the NEXN protein (p.Met109Arg). This variant is not present in population databases (gnomAD no frequency). This variant has not been reported in the literature in individuals affected with NEXN-related conditions. Invitae Evidence Modeling of protein sequence and biophysical properties (such as structural, functional, and spatial information, amino acid conservation, physicochemical variation, residue mobility, and thermodynamic stability) has been performed for this missense variant. However, the output from this modeling did not meet the statistical confidence thresholds required to predict the impact of this variant on NEXN protein function. In summary, the available evidence is currently insufficient to determine the role of this variant in disease. Therefore, it has been classified as a Variant of Uncertain Significance.